The following is an entry in ClinVar:

ClinVar aggregate classification (germline): Pathogenic/Likely pathogenic. Review status: criteria provided, multiple submitters, no conflicts (2 of 4 stars). 5 submissions from 5 submitters: Pathogenic (2); Likely pathogenic (2). 1 of the submissions does not count toward it. Last evaluated 2023-04-11.

Conditions:
Dihydropyrimidine dehydrogenase deficiency (DPYDD). Also called: DPD DEFICIENCY; DPYD DEFICIENCY; Hereditary Thymine-Uraciluria. Identifiers: Orphanet 1675, MedGen C1959620, MONDO:0010130, OMIM 274270.

Allele frequency attached by ClinVar (database versions not stated): gnomAD exomes 0.00001 and 0.00002; ExAC 0.00002; TOPMed 0.00002; gnomAD 0.00003; ESP Exome Variant Server 0.00008.
gnomAD v4.1: 15 of 1,613,460 alleles (0.00093%); highest among the groups gnomAD compares: Admixed American, 0.005%; no homozygotes.

Submissions (5):

Genome-Nilou Lab
Classification: Likely pathogenic for Dihydropyrimidine dehydrogenase deficiency. Last evaluated: 2023-04-11. Review status: criteria provided, single submitter. Criteria: ACMG Guidelines, 2015. Collection method: clinical testing. Allele origin: germline. Affected: no.

Women's Health and Genetics/Laboratory Corporation of America, LabCorp
Classification: Likely pathogenic for Dihydropyrimidine dehydrogenase deficiency. Last evaluated: 2021-10-27. Review status: criteria provided, single submitter. Criteria: LabCorp Variant Classification Summary - May 2015. Collection method: clinical testing. Allele origin: germline.
Comment: Variant summary: DPYD c.208C>T (p.Arg70X) results in a premature termination codon, predicted to cause a truncation of the encoded protein or absence of the protein due to nonsense mediated decay, which are commonly known mechanisms for disease. Truncations downstream of this position have been classified as pathogenic by our laboratory. The variant allele was found at a frequency of 1.6e-05 in 250926 control chromosomes (gnomAD). To our knowledge, no occurrence of c.208C>T in individuals affected with Dihydropyrimidine Dehydrogenase Deficiency and no experimental evidence demonstrating its impact on protein function have been reported. Two clinical diagnostic laboratories have submitted clinical-significance assessments for this variant to ClinVar after 2014 and classified the variant as pathogenic (n=1) and likely pathogenic (n=1). Based on the evidence outlined above, the variant was classified as likely pathogenic.

Genetics and Genomic Medicine Centre, NeuroGen Healthcare, NeuroGen Healthcare
Classification: Pathogenic for Dihydropyrimidine dehydrogenase deficiency. Last evaluated: 2020-10-08. Review status: criteria provided, single submitter. Criteria: Submitter's publication. Collection method: clinical testing. Allele origin: unknown. Affected: no.

Fulgent Genetics
Classification: Pathogenic for Dihydropyrimidine dehydrogenase deficiency. Last evaluated: 2018-10-31. Review status: criteria provided, single submitter. Criteria: ACMG Guidelines, 2015. Collection method: clinical testing. Allele origin: unknown.

Counsyl
Classification: Likely pathogenic for Dihydropyrimidine dehydrogenase deficiency. Last evaluated: 2016-04-05. Review status: no assertion criteria provided. Collection method: clinical testing. Allele origin: unknown. Not counted in ClinVar's aggregate classification.

Literature cited by the submitters: PubMed 25087612 (cited by Women's Health and Genetics/Laboratory Corporation of America, LabCorp); PubMed 31589614 (cited by Women's Health and Genetics/Laboratory Corporation of America, LabCorp).

NM_000110.4(DPYD):c.208C>T (p.Arg70Ter)

Gene: DPYD (dihydropyrimidine dehydrogenase; minus strand). Cytogenetic location: 1p21.3.
Variant type: single nucleotide variant.
Coding change: c.208C>T on transcript NM_000110.4 (MANE Select); coding-DNA position 208, C replaced by T.
Protein change: p.Arg70Ter; replaces arginine 70 with a stop codon.
Molecular consequence: nonsense.
Genome position (GRCh38, 1-based): chr1:97,828,139, G>A on the plus strand (C>T on the coding strand, the complement: DPYD is on the minus strand). VCF-style: chr1-97828139-G-A. GRCh37 (hg19) VCF-style: chr1-98293695-G-A.
Other names: c.208C>T, p.Arg70Ter (NM_001160301.1); short protein forms R70*.
Identifiers: ClinVar variation 370660 (VCV000370660.11), dbSNP rs141597515, ClinGen allele CA963767.